The following is an entry in ClinVar:

ClinVar aggregate classification (germline): Pathogenic (1 of 4 stars; one submission).

Conditions:
Granulomatous disease, chronic, autosomal recessive, cytochrome b-positive, type 3. Also called: Granulomatous disease, chronic, autosomal recessive, cytochrome b-positive, type III; GRANULOMATOUS DISEASE, CHRONIC, DUE TO NCF4 DEFICIENCY; GRANULOMATOUS DISEASE, CHRONIC, AUTOSOMAL RECESSIVE, 3; CGD, AUTOSOMAL RECESSIVE CYTOCHROME b-POSITIVE, TYPE III. Identifiers: Orphanet 379, MedGen C3151409, MONDO:0013507, OMIM 613960.

Submission:

Labcorp Genetics (formerly Invitae), Labcorp
Classification: Pathogenic for Granulomatous disease, chronic, autosomal recessive, cytochrome b-positive, type 3. Last evaluated: 2024-02-23. Review status: criteria provided, single submitter. Criteria: Invitae Variant Classification Sherloc (09022015). Collection method: clinical testing. Allele origin: germline.
Comment: This sequence change creates a premature translational stop signal (p.Gln5*) in the NCF4 gene. It is expected to result in an absent or disrupted protein product. Loss-of-function variants in NCF4 are known to be pathogenic (PMID: 16880254, 19692703, 20167518). This variant is not present in population databases (gnomAD no frequency). This variant has not been reported in the literature in individuals affected with NCF4-related conditions. For these reasons, this variant has been classified as Pathogenic.

Literature cited by the submitters: PubMed 16880254; PubMed 19692703; PubMed 20167518.

NM_000631.5(NCF4):c.13C>T (p.Gln5Ter)

Genes: NCF4 (neutrophil cytosolic factor 4; plus strand), NCF4-AS1 (NCF4 antisense RNA 1; minus strand). Cytogenetic location: 22q12.3.
Variant type: single nucleotide variant.
Coding change: c.13C>T on transcript NM_000631.5 (MANE Select); coding-DNA position 13, C replaced by T.
Protein change: p.Gln5Ter; replaces glutamine 5 with a stop codon.
Molecular consequence: nonsense.
Genome position (GRCh38, 1-based): chr22:36,861,184, C>T. VCF-style: chr22-36861184-C-T. GRCh37 (hg19) VCF-style: chr22-37257226-C-T.
Other names: c.13C>T, p.Gln5Ter (NM_013416.4); short protein forms Q5*.
Identifiers: ClinVar variation 3605021 (VCV003605021.2).